The following is an entry in ClinVar:

ClinVar aggregate classification (germline): Likely pathogenic (1 of 4 stars; one submission).

Conditions:
Usher syndrome type 1 (USH1). Also called: RETINITIS PIGMENTOSA AND CONGENITAL DEAFNESS. Identifiers: Orphanet 231169, Orphanet 886, MedGen C1568247, MONDO:0010168, OMIM 276900.

Submission:

Myriad Genetics, Inc.
Classification: Likely pathogenic for Usher syndrome type 1. Last evaluated: 2019-01-16. Review status: criteria provided, single submitter. Criteria: Myriad Women's Health Autosomal Recessive and X-Linked Classification Criteria (2019). Collection method: clinical testing. Allele origin: unknown.
Comment: NM_000260.3(MYO7A):c.2782C>T(Q928*) is expected to be pathogenic in the context of MYO7A-related disorders. This variant is predicted to lead to an abnormal or absent protein product due to the creation of a premature termination codon in MYO7A, a gene where loss-of-function variants are known to be pathogenic. Please note: this variant was assessed in the context of healthy population screening.

NM_000260.4(MYO7A):c.2782C>T (p.Gln928Ter)

Gene: MYO7A (myosin VIIA; plus strand). Cytogenetic location: 11q13.5.
Variant type: single nucleotide variant.
Coding change: c.2782C>T on transcript NM_000260.4 (MANE Select); coding-DNA position 2782, C replaced by T.
Protein change: p.Gln928Ter; replaces glutamine 928 with a stop codon.
Molecular consequence: nonsense.
Genome position (GRCh38, 1-based): chr11:77,181,467, C>T. VCF-style: chr11-77181467-C-T. GRCh37 (hg19) VCF-style: chr11-76892513-C-T.
Other names: c.2782C>T, p.Gln928Ter (NM_001127180.2); c.2749C>T, p.Gln917Ter (NM_001369365.1); short protein forms Q917*, Q928*.
Identifiers: ClinVar variation 984294 (VCV000984294.3), dbSNP rs1955177223, ClinGen allele CA381942868.